The following is an entry in ClinVar:

ClinVar aggregate classification (germline): Uncertain significance. Review status: criteria provided, multiple submitters, no conflicts (2 of 4 stars). 2 submissions from 2 submitters: Uncertain significance (2). Last evaluated 2026-01-19.

Conditions:
Charcot-Marie-Tooth disease axonal type 2V. Also called: CHARCOT-MARIE-TOOTH NEUROPATHY, TYPE 2V; CHARCOT-MARIE-TOOTH DISEASE, AXONAL, AUTOSOMAL DOMINANT, TYPE 2V. Identifiers: Orphanet 447964, MedGen C5569050, MONDO:0014665, OMIM 616491.
Mucopolysaccharidosis, MPS-III-B (MPS3B). Also called: MPS IIIB (Sanfilippo Syndrome Type B); N-ACETYL-ALPHA-D-GLUCOSAMINIDASE DEFICIENCY; NAGLU DEFICIENCY; MUCOPOLYSACCHARIDOSIS, TYPE IIIB; Mucopolysaccharidosis type IIIB (Sanfilippo B); SANFILIPPO SYNDROME B. Identifiers: Orphanet 79270, MedGen C0086648, MONDO:0009656, OMIM 252920.

Allele frequency attached by ClinVar (database versions not stated): gnomAD exomes 0.00007 and 0.00006; ExAC 0.00009; gnomAD 0.00007; TOPMed 0.00002.
gnomAD v4.1: 52 of 1,614,118 alleles (0.0032%); highest among the groups gnomAD compares: Admixed American, 0.0067%; no homozygotes.

Submissions (2):

Labcorp Genetics (formerly Invitae), Labcorp
Classification: Uncertain significance for Charcot-Marie-Tooth disease axonal type 2V; Mucopolysaccharidosis, MPS-III-B. Last evaluated: 2026-01-19. Review status: criteria provided, single submitter. Criteria: Invitae Variant Classification Sherloc (09022015). Collection method: clinical testing. Allele origin: germline.
Comment: This sequence change replaces phenylalanine, which is neutral and non-polar, with tyrosine, which is neutral and polar, at codon 198 of the NAGLU protein (p.Phe198Tyr). This variant is present in population databases (rs752264680, gnomAD 0.06%). This variant has not been reported in the literature in individuals affected with NAGLU-related conditions. ClinVar contains an entry for this variant (Variation ID: 1308580). Invitae Evidence Modeling of protein sequence and biophysical properties (such as structural, functional, and spatial information, amino acid conservation, physicochemical variation, residue mobility, and thermodynamic stability) has been performed for this missense variant. However, the output from this modeling did not meet the statistical confidence thresholds required to predict the impact of this variant on NAGLU protein function. In summary, the available evidence is currently insufficient to determine the role of this variant in disease. Therefore, it has been classified as a Variant of Uncertain Significance.

GeneDx
Classification: Uncertain significance. Last evaluated: 2019-04-02. Review status: criteria provided, single submitter. Criteria: GeneDx Variant Classification Process June 2021. Collection method: clinical testing. Allele origin: germline. Affected: yes.
Comment: In silico analysis, which includes protein predictors and evolutionary conservation, supports a deleterious effect; Has not been previously published as pathogenic or benign to our knowledge

NM_000263.4(NAGLU):c.593T>A (p.Phe198Tyr)

Gene: NAGLU (N-acetyl-alpha-glucosaminidase; plus strand). Cytogenetic location: 17q21.2.
Variant type: single nucleotide variant.
Coding change: c.593T>A on transcript NM_000263.4 (MANE Select); coding-DNA position 593, T replaced by A.
Protein change: p.Phe198Tyr; replaces phenylalanine 198 with tyrosine.
Molecular consequence: missense variant.
Genome position (GRCh38, 1-based): chr17:42,538,400, T>A. VCF-style: chr17-42538400-T-A. GRCh37 (hg19) VCF-style: chr17-40690418-T-A.
Other names: short protein forms F198Y.
Identifiers: ClinVar variation 1308580 (VCV001308580.5), dbSNP rs752264680, ClinGen allele CA8576799.
Genomic context (GRCh38, chr17:42,538,400, plus strand): 5'-TGTACCTGGCCTTGGGCCTGACCCAGGCAGAGATCAATGAGTTCTTTACTGGTCCTGCCT[T>A]CCTGGCCTGGGGGCGAATGGGCAACCTGCACACCTGGGATGGCCCCCTGCCCCCCTCCTG-3'
Protein context (NP_000254.2, residues 188-208): EINEFFTGPA[Phe198Tyr]LAWGRMGNLH